The following is an entry in ClinVar:

ClinVar aggregate classification (germline): Likely benign. Review status: criteria provided, single submitter (1 of 4 stars). 2 submissions from 2 submitters: Likely benign (1). 1 of the submissions does not count toward it. Last evaluated 2023-06-20.

Conditions:
RAI1-related disorder. Also called: RAI1-related condition.

Allele frequency attached by ClinVar (database versions not stated): gnomAD 0.00001; gnomAD exomes 0.00001; TOPMed 0.00001; ExAC 0.00002; 1000 Genomes Project 30x 0.00016; 1000 Genomes Project 0.00020.
gnomAD v4.1: 14 of 1,613,056 alleles (0.00087%); highest among the groups gnomAD compares: South Asian, 0.0033%; no homozygotes.

Submissions (2):

Labcorp Genetics (formerly Invitae), Labcorp
Classification: Likely benign. Last evaluated: 2023-06-20. Review status: criteria provided, single submitter. Criteria: Invitae Variant Classification Sherloc (09022015). Collection method: clinical testing. Allele origin: germline.

PreventionGenetics, part of Exact Sciences
Classification: Likely benign for RAI1-related condition. Last evaluated: 2020-04-02. Review status: no assertion criteria provided. Collection method: clinical testing. Allele origin: germline. Not counted in ClinVar's aggregate classification.
Comment: This variant is classified as likely benign based on ACMG/AMP sequence variant interpretation guidelines (Richards et al. 2015 PMID: 25741868, with internal and published modifications).

NM_030665.4(RAI1):c.726G>A (p.Pro242=)

Gene: RAI1 (retinoic acid induced 1; plus strand). Cytogenetic location: 17p11.2.
Variant type: single nucleotide variant.
Coding change: c.726G>A on transcript NM_030665.4 (MANE Select); coding-DNA position 726, G replaced by A.
Protein change: p.Pro242=; no amino-acid change (proline 242 retained).
Molecular consequence: synonymous variant.
Genome position (GRCh38, 1-based): chr17:17,793,674, G>A. VCF-style: chr17-17793674-G-A. GRCh37 (hg19) VCF-style: chr17-17696988-G-A.
Other names: c.726G>A (NM_030665.3).
Identifiers: ClinVar variation 2713536 (VCV002713536.5), dbSNP rs549200619, ClinGen allele CA8418176.